The following is an entry in ClinVar:

NM_001384732.1(CPLANE1):c.9466C>T (p.Gln3156Ter)

Gene: CPLANE1 (ciliogenesis and planar polarity effector complex subunit 1; minus strand). Cytogenetic location: 5p13.2.
Variant type: single nucleotide variant.
Coding change: c.9466C>T on transcript NM_001384732.1 (MANE Select); coding-DNA position 9466, C replaced by T.
Protein change: p.Gln3156Ter; replaces glutamine 3156 with a stop codon.
Molecular consequence: nonsense.
Genome position (GRCh38, 1-based): chr5:37,108,406, G>A on the plus strand (C>T on the coding strand, the complement: CPLANE1 is on the minus strand). VCF-style: chr5-37108406-G-A. GRCh37 (hg19) VCF-style: chr5-37108508-G-A.
Other names: c.9304C>T, p.Gln3102Ter (NM_023073.4); short protein forms Q3102*, Q3156*.
Identifiers: ClinVar variation 965116 (VCV000965116.7), dbSNP rs774297305, ClinGen allele CA359490085.
Genomic context (GRCh38, chr5:37,108,406, plus strand): 5'-TCGTCCAGGGACTCACCACAGTCTCCTCTCTTTCATACTCTACACACACCTGCTTGGTTT[G>A]AGGTGCAAGCCCAGCACTTCCATGTTTTTTTGTATGCTGCAGACTATGACACGGAGCATT-3'

ClinVar aggregate classification (germline): Pathogenic (1 of 4 stars; one submission).

Allele frequency attached by ClinVar (database versions not stated): gnomAD 0.00001.
gnomAD v4.1: 1 of 1,614,062 alleles (0.000062%); highest among the groups gnomAD compares: Non-Finnish European, 0.000085%; no homozygotes.

Submission:

Labcorp Genetics (formerly Invitae), Labcorp
Classification: Pathogenic. Last evaluated: 2023-09-20. Review status: criteria provided, single submitter. Criteria: Invitae Variant Classification Sherloc (09022015). Collection method: clinical testing. Allele origin: germline.
Comment: This sequence change creates a premature translational stop signal (p.Gln3102*) in the CPLANE1 gene. It is expected to result in an absent or disrupted protein product. Loss-of-function variants in CPLANE1 are known to be pathogenic (PMID: 24178751, 26092869). This variant is not present in population databases (gnomAD no frequency). This variant has not been reported in the literature in individuals affected with CPLANE1-related conditions. ClinVar contains an entry for this variant (Variation ID: 965116). For these reasons, this variant has been classified as Pathogenic.

Literature cited by the submitters: PubMed 24178751; PubMed 26092869.